The following is an entry in ClinVar:

NM_004304.5(ALK):c.4554_4555delinsTT (p.Lys1518_Asn1519delinsAsnTyr)

Gene: ALK (ALK receptor tyrosine kinase; minus strand). Cytogenetic location: 2p23.2.
Variant type: Indel.
Coding change: c.4554_4555delinsTT on transcript NM_004304.5 (MANE Select); coding-DNA positions 4554 to 4555, GA replaced by TT.
Protein change: p.Lys1518_Asn1519delinsAsnTyr.
Molecular consequence: missense variant.
Genome position (GRCh38, 1-based): chr2:29,193,532-29,193,533, TC replaced by AA on the plus strand (GA replaced by TT on the coding strand, the reverse complement: ALK is on the minus strand). VCF-style: chr2-29193532-TC-AA. GRCh37 (hg19) VCF-style: chr2-29416398-TC-AA.
Other names: c.1350_1351delinsTT, p.Lys450_Asn451delinsAsnTyr (NM_001353765.2).
Identifiers: ClinVar variation 2766231 (VCV002766231.3), dbSNP rs2465873550, ClinGen allele CA2697547958.

ClinVar aggregate classification (germline): Uncertain significance (1 of 4 stars; one submission).

Conditions:
Neuroblastoma, susceptibility to, 3. Also called: ALK-Related Neuroblastic Tumor Susceptibility. Identifiers: Orphanet 635, MedGen C2751681, MONDO:0013083, OMIM 613014.

Submission:

Labcorp Genetics (formerly Invitae), Labcorp
Classification: Uncertain significance for Neuroblastoma, susceptibility to, 3. Last evaluated: 2023-10-06. Review status: criteria provided, single submitter. Criteria: Invitae Variant Classification Sherloc (09022015). Collection method: clinical testing. Allele origin: germline.
Comment: This variant, c.4554_4555delinsTT, is a complex sequence change that results in the deletion of 2 and insertion of 2 amino acid(s) in the ALK protein (p.Lys1518_Asn1519delinsAsnTyr). Information on the frequency of this variant in the gnomAD database is not available, as this variant may be reported differently in the database. This variant has not been reported in the literature in individuals affected with ALK-related conditions. Experimental studies and prediction algorithms are not available or were not evaluated, and the functional significance of this variant is currently unknown. In summary, the available evidence is currently insufficient to determine the role of this variant in disease. Therefore, it has been classified as a Variant of Uncertain Significance.